The following is an entry in ClinVar:

ClinVar aggregate classification (germline): Uncertain significance (1 of 4 stars; one submission).

Conditions:
Nemaline myopathy 2 (NEM2). Also called: Nemaline myopathy 2, autosomal recessive. Identifiers: MedGen C1850569, MONDO:0009725, OMIM 256030.

Submission:

Labcorp Genetics (formerly Invitae), Labcorp
Classification: Uncertain significance for Nemaline myopathy 2. Last evaluated: 2021-08-27. Review status: criteria provided, single submitter. Criteria: Invitae Variant Classification Sherloc (09022015). Collection method: clinical testing. Allele origin: germline.
Comment: This sequence change replaces threonine with isoleucine at codon 7410 of the NEB protein (p.Thr7410Ile). The threonine residue is moderately conserved and there is a moderate physicochemical difference between threonine and isoleucine. This variant is not present in population databases (ExAC no frequency). This variant has not been reported in the literature in individuals affected with NEB-related conditions. Algorithms developed to predict the effect of missense changes on protein structure and function are either unavailable or do not agree on the potential impact of this missense change (SIFT: "Deleterious"; PolyPhen-2: "Not Available"; Align-GVGD: "Class C0"). In summary, the available evidence is currently insufficient to determine the role of this variant in disease. Therefore, it has been classified as a Variant of Uncertain Significance.

NM_001164508.2(NEB):c.22124C>T (p.Thr7375Ile)

Genes: NEB (nebulin; minus strand), RIF1 (replication timing regulatory factor 1; plus strand). Cytogenetic location: 2q23.3.
Variant type: single nucleotide variant.
Coding change: c.22124C>T on transcript NM_001164508.2 (MANE Select); coding-DNA position 22124, C replaced by T.
Protein change: p.Thr7375Ile; replaces threonine 7375 with isoleucine.
Molecular consequence: missense variant.
Genome position (GRCh38, 1-based): chr2:151,525,995, G>A on the plus strand (C>T on the coding strand, the complement: NEB is on the minus strand). VCF-style: chr2-151525995-G-A. GRCh37 (hg19) VCF-style: chr2-152382509-G-A.
Other names: c.22124C>T, p.Thr7375Ile (NM_001164507.2); c.22229C>T, p.Thr7410Ile (NM_001271208.2); c.17021C>T, p.Thr5674Ile (NM_004543.5); short protein forms T7375I, T5674I, T7410I.
Identifiers: ClinVar variation 658299 (VCV000658299.6), dbSNP rs1195608964, ClinGen allele CA348766098.